The following is an entry in ClinVar:

ClinVar aggregate classification (germline): Uncertain significance (1 of 4 stars; one submission).

Submission:

Labcorp Genetics (formerly Invitae), Labcorp
Classification: Uncertain significance. Last evaluated: 2022-09-01. Review status: criteria provided, single submitter. Criteria: Invitae Variant Classification Sherloc (09022015). Collection method: clinical testing. Allele origin: germline.
Comment: In summary, the available evidence is currently insufficient to determine the role of this variant in disease. Therefore, it has been classified as a Variant of Uncertain Significance. Algorithms developed to predict the effect of missense changes on protein structure and function (SIFT, PolyPhen-2, Align-GVGD) all suggest that this variant is likely to be disruptive. This variant has not been reported in the literature in individuals affected with RBP3-related conditions. This variant is not present in population databases (gnomAD no frequency). This sequence change replaces aspartic acid, which is acidic and polar, with glycine, which is neutral and non-polar, at codon 1075 of the RBP3 protein (p.Asp1075Gly).

NM_002900.3(RBP3):c.3224A>G (p.Asp1075Gly)

Gene: RBP3 (retinol binding protein 3; plus strand). Cytogenetic location: 10q11.22.
Variant type: single nucleotide variant.
Coding change: c.3224A>G on transcript NM_002900.3 (MANE Select); coding-DNA position 3224, A replaced by G.
Protein change: p.Asp1075Gly; replaces aspartic acid 1075 with glycine.
Molecular consequence: missense variant.
Genome position (GRCh38, 1-based): chr10:47,353,494, A>G. VCF-style: chr10-47353494-A-G. GRCh37 (hg19) VCF-style: chr10-48385868-T-C.
Other names: short protein forms D1075G.
Identifiers: ClinVar variation 2110006 (VCV002110006.4), dbSNP rs2132257135, ClinGen allele CA376676641.